The following is an entry in ClinVar:

ClinVar aggregate classification (germline): Benign. Review status: criteria provided, single submitter (1 of 4 stars). 2 submissions from 2 submitters: Benign (1). 1 of the submissions does not count toward it. Last evaluated 2025-11-17.

Conditions:
C2CD3-related disorder. Also called: C2CD3-related condition.

Allele frequency attached by ClinVar (database versions not stated): gnomAD exomes 0.00010 and 0.00015; ExAC 0.00030; gnomAD 0.00105 and 0.00109; TOPMed 0.00114; 1000 Genomes Project 0.00120; 1000 Genomes Project 30x 0.00156.
gnomAD v4.1: 294 of 1,428,646 alleles (0.021%); highest among the groups gnomAD compares: African/African-American, 0.39%; no homozygotes.

Submissions (2):

Labcorp Genetics (formerly Invitae), Labcorp
Classification: Benign. Last evaluated: 2025-11-17. Review status: criteria provided, single submitter. Criteria: Invitae Variant Classification Sherloc (09022015). Collection method: clinical testing. Allele origin: germline.

PreventionGenetics, part of Exact Sciences
Classification: Likely benign for C2CD3-related condition. Last evaluated: 2023-05-15. Review status: no assertion criteria provided. Collection method: clinical testing. Allele origin: germline. Not counted in ClinVar's aggregate classification.
Comment: This variant is classified as likely benign based on ACMG/AMP sequence variant interpretation guidelines (Richards et al. 2015 PMID: 25741868, with internal and published modifications).

NM_001286577.2(C2CD3):c.6980A>G (p.Asn2327Ser)

Gene: C2CD3 (C2 domain containing 3 centriole elongation regulator; minus strand). Cytogenetic location: 11q13.4.
Variant type: single nucleotide variant.
Coding change: c.6980A>G on transcript NM_001286577.2 (MANE Select); coding-DNA position 6980, A replaced by G.
Protein change: p.Asn2327Ser; replaces asparagine 2327 with serine.
Molecular consequence: missense variant.
Genome position (GRCh38, 1-based): chr11:74,013,467, T>C on the plus strand (A>G on the coding strand, the complement: C2CD3 is on the minus strand). VCF-style: chr11-74013467-T-C. GRCh37 (hg19) VCF-style: chr11-73724512-T-C.
Other names: c.6980A>G (NM_001286577.1); short protein forms N2327S.
Identifiers: ClinVar variation 1651482 (VCV001651482.10), dbSNP rs61733220, ClinGen allele CA6181685.